The following is an entry in ClinVar:

ClinVar aggregate classification (germline): Uncertain significance (1 of 4 stars; one submission).

Conditions:
DYRK1A-related intellectual disability syndrome (MRD7). Also called: Intellectual developmental disorder, autosomal dominant 7; DYRK1A Syndrome. Identifiers: Orphanet 464306, MedGen C5568143, MONDO:0013578, OMIM 614104.

Submission:

Labcorp Genetics (formerly Invitae), Labcorp
Classification: Uncertain significance for DYRK1A-related intellectual disability syndrome. Last evaluated: 2024-06-30. Review status: criteria provided, single submitter. Criteria: Invitae Variant Classification Sherloc (09022015). Collection method: clinical testing. Allele origin: germline.
Comment: This sequence change falls in intron 5 of the DYRK1A gene. It does not directly change the encoded amino acid sequence of the DYRK1A protein. Information on the frequency of this variant in the gnomAD database is not available, as this variant may be reported differently in the database. This variant has not been reported in the literature in individuals affected with DYRK1A-related conditions. Experimental studies and prediction algorithms are not available or were not evaluated, and the effect of this variant on mRNA splicing is currently unknown. In summary, the available evidence is currently insufficient to determine the role of this variant in disease. Therefore, it has been classified as a Variant of Uncertain Significance.

NM_001347721.2(DYRK1A):c.637+15_637+16delinsTG

Gene: DYRK1A (dual specificity tyrosine phosphorylation regulated kinase 1A; plus strand). Cytogenetic location: 21q22.13.
Variant type: Indel.
Coding change: c.637+15_637+16delinsTG on transcript NM_001347721.2 (MANE Select); bases 15 to 16 of the intron after coding-DNA position 637, AA replaced by TG.
Molecular consequence: intron variant.
Genome position (GRCh38, 1-based): chr21:37,486,629-37,486,630, AA replaced by TG. VCF-style: chr21-37486629-AA-TG. GRCh37 (hg19) VCF-style: chr21-38858931-AA-TG.
Other names: c.664+15_664+16delinsTG (NM_001396.5, NM_101395.2, NM_130438.2); c.637+15_637+16delinsTG (NM_001347722.2, NM_130436.2); c.550+15_550+16delinsTG (NM_001347723.2).
Identifiers: ClinVar variation 3643652 (VCV003643652.2).